The following is an entry in ClinVar:

ClinVar aggregate classification (germline): Uncertain significance. Review status: criteria provided, multiple submitters, no conflicts (2 of 4 stars). 2 submissions from 2 submitters: Uncertain significance (2). Last evaluated 2025-07-29.

Conditions:
Malignant hyperthermia, susceptibility to, 5 (MHS5). Also called: CACNA1S-Related Malignant Hyperthermia Susceptibility. Identifiers: Orphanet 423, MedGen C1866077, MONDO:0011163, OMIM 601887.
Hypokalemic periodic paralysis, type 1. Also called: Hypokalemic Periodic Paralysis Type 1 (AD); HypoPP. Identifiers: Orphanet 681, MedGen C3714580, MONDO:0042979, OMIM 170400.
Congenital myopathy 18. Also called: Myopathy, congenital, due to dihydropyridine receptor defect; DIHYDROPYRIDINE RECEPTOR CONGENITAL MYOPATHY; DHPR CONGENITAL MYOPATHY. Identifiers: MedGen C5830283, MONDO:0859514, OMIM 620246.
Thyrotoxic periodic paralysis, susceptibility to, 1 (TTPP1). Identifiers: Orphanet 79102, MedGen C2749982, MONDO:0008570, OMIM 188580.

Submissions (2):

Labcorp Genetics (formerly Invitae), Labcorp
Classification: Uncertain significance for Hypokalemic periodic paralysis, type 1; Malignant hyperthermia, susceptibility to, 5. Last evaluated: 2025-07-29. Review status: criteria provided, single submitter. Criteria: Invitae Variant Classification Sherloc (09022015). Collection method: clinical testing. Allele origin: germline.
Comment: This sequence change replaces leucine, which is neutral and non-polar, with phenylalanine, which is neutral and non-polar, at codon 1868 of the CACNA1S protein (p.Leu1868Phe). This variant is not present in population databases (gnomAD no frequency). This variant has not been reported in the literature in individuals affected with CACNA1S-related conditions. ClinVar contains an entry for this variant (Variation ID: 3576570). An algorithm developed to predict the effect of missense changes on protein structure and function outputs the following: PolyPhen-2: "Benign". The phenylalanine amino acid residue is found in multiple mammalian species, which suggests that this missense change does not adversely affect protein function. In summary, the available evidence is currently insufficient to determine the role of this variant in disease. Therefore, it has been classified as a Variant of Uncertain Significance.

Fulgent Genetics
Classification: Uncertain significance for Hypokalemic periodic paralysis, type 1; Thyrotoxic periodic paralysis, susceptibility to, 1; Malignant hyperthermia, susceptibility to, 5; Congenital myopathy 18. Last evaluated: 2024-03-01. Review status: criteria provided, single submitter. Criteria: ACMG Guidelines, 2015. Collection method: clinical testing. Allele origin: germline.

NM_000069.3(CACNA1S):c.5602C>T (p.Leu1868Phe)

Gene: CACNA1S (calcium voltage-gated channel subunit alpha1 S; minus strand). Cytogenetic location: 1q32.1.
Variant type: single nucleotide variant.
Coding change: c.5602C>T on transcript NM_000069.3 (MANE Select); coding-DNA position 5602, C replaced by T.
Protein change: p.Leu1868Phe; replaces leucine 1868 with phenylalanine.
Molecular consequence: missense variant.
Genome position (GRCh38, 1-based): chr1:201,039,851, G>A on the plus strand (C>T on the coding strand, the complement: CACNA1S is on the minus strand). VCF-style: chr1-201039851-G-A. GRCh37 (hg19) VCF-style: chr1-201008979-G-A.
Other names: short protein forms L1868F.
Identifiers: ClinVar variation 3576570 (VCV003576570.2).